The following is an entry in ClinVar:

NM_000138.5(FBN1):c.4942+19A>T

Gene: FBN1 (fibrillin 1; minus strand). Cytogenetic location: 15q21.1.
Variant type: single nucleotide variant.
Coding change: c.4942+19A>T on transcript NM_000138.5 (MANE Select); 19 bases into the intron after coding-DNA position 4942, A replaced by T.
Molecular consequence: intron variant.
Genome position (GRCh38, 1-based): chr15:48,465,549, T>A on the plus strand (A>T on the coding strand, the complement: FBN1 is on the minus strand). VCF-style: chr15-48465549-T-A. GRCh37 (hg19) VCF-style: chr15-48757746-T-A.
Identifiers: ClinVar variation 1564510 (VCV001564510.9), dbSNP rs2141269507, ClinGen allele CA2573150771.
Genomic context (GRCh38, chr15:48,465,549, plus strand): 5'-TTCCTAGTAACCATATTCTGGTTTTGCAGGTCAGTTCTTGATATCTGCAAGACCTTATCA[T>A]CCTACCAGGACCATTTACCATCACACACTCGTGTATCTTCATTCAGGTAGTAGCCGGTTG-3'

ClinVar aggregate classification (germline): Conflicting classifications of pathogenicity. Review status: criteria provided, conflicting classifications (1 of 4 stars). 2 submissions from 2 submitters: Pathogenic (1); Uncertain significance (1). Last evaluated 2025-10-08.

Conditions:
Marfan syndrome (MFS). Also called: Marfan syndrome, classic; MARFAN SYNDROME, TYPE I; Marfan syndrome type 1; Marfan's syndrome; FBN1-Related Marfan Syndrome. Identifiers: Orphanet 284963, Orphanet 558, MedGen C0024796, MONDO:0007947, OMIM 154700.
Familial thoracic aortic aneurysm and aortic dissection (TAAD). Also called: Thoracic aortic aneurysms and dissections. Identifiers: Orphanet 91387, MedGen C4707243, MONDO:0019625.

Submissions (2):

Labcorp Genetics (formerly Invitae), Labcorp
Classification: Uncertain significance for Marfan syndrome; Familial thoracic aortic aneurysm and aortic dissection. Last evaluated: 2025-10-08. Review status: criteria provided, single submitter. Criteria: Invitae Variant Classification Sherloc (09022015). Collection method: clinical testing. Allele origin: germline.
Comment: This sequence change falls in intron 40 of the FBN1 gene. It does not directly change the encoded amino acid sequence of the FBN1 protein. This variant is not present in population databases (gnomAD no frequency). This variant has been observed in individual(s) with clinical features of FBN1-related conditions (internal data). ClinVar contains an entry for this variant (Variation ID: 1564510). Algorithms developed to predict the effect of sequence changes on RNA splicing suggest that this variant may disrupt the consensus splice site. In summary, the available evidence is currently insufficient to determine the role of this variant in disease. Therefore, it has been classified as a Variant of Uncertain Significance.

Clinical and Biomedical Sciences, University of Exeter
Classification: Pathogenic for Marfan syndrome. Last evaluated: 2025-02-28. Review status: criteria provided, single submitter. Criteria: ACMG Guidelines, 2015. Collection method: research. Allele origin: germline. Affected: yes. Study: 100,000 Genomes Project.
Comment: RT-PCR and Sanger sequencing from blood PaxGene sample shows 13bp extension of exon 40, r.4942_4943insguaaaugguccug which predicts p.(Asp1648GlyfsTer5). In ClinVar as likely benign (VCV001564510.6) but out of date splice predictors used.